The following is an entry in ClinVar:

ClinVar aggregate classification (germline): Uncertain significance. Review status: criteria provided, multiple submitters, no conflicts (2 of 4 stars). 3 submissions from 3 submitters: Uncertain significance (3). Last evaluated 2025-12-26.

Conditions:
Inborn genetic diseases. Identifiers: MedGen C0950123, MeSH D030342.

Allele frequency attached by ClinVar (database versions not stated): ExAC 0.00007; gnomAD 0.00007; TOPMed 0.00014; ESP Exome Variant Server 0.00015; gnomAD exomes 0.00017.
gnomAD v4.1: 262 of 1,614,028 alleles (0.016%); highest among the groups gnomAD compares: Non-Finnish European, 0.021%; no homozygotes.

Submissions (3):

GeneDx
Classification: Uncertain significance. Last evaluated: 2025-12-26. Review status: criteria provided, single submitter. Criteria: GeneDx Variant Classification Process June 2021. Collection method: clinical testing. Allele origin: germline.
Comment: In silico analysis suggests that this missense variant does not alter protein structure/function; Has not been previously published as pathogenic or benign to our knowledge

Ambry Genetics
Classification: Uncertain significance for Inborn genetic diseases. Last evaluated: 2022-05-27. Review status: criteria provided, single submitter. Criteria: Ambry Variant Classification Scheme 2023. Collection method: clinical testing. Allele origin: germline.

Labcorp Genetics (formerly Invitae), Labcorp
Classification: Uncertain significance. Last evaluated: 2022-03-13. Review status: criteria provided, single submitter. Criteria: Invitae Variant Classification Sherloc (09022015). Collection method: clinical testing. Allele origin: germline.
Comment: In summary, the available evidence is currently insufficient to determine the role of this variant in disease. Therefore, it has been classified as a Variant of Uncertain Significance. Algorithms developed to predict the effect of missense changes on protein structure and function are either unavailable or do not agree on the potential impact of this missense change (SIFT: "Deleterious"; PolyPhen-2: "Benign"; Align-GVGD: "Class C0"). This variant has not been reported in the literature in individuals affected with CDC14A-related conditions. This variant is present in population databases (rs140251082, gnomAD 0.01%). This sequence change replaces leucine, which is neutral and non-polar, with arginine, which is basic and polar, at codon 547 of the CDC14A protein (p.Leu547Arg).

NM_003672.4(CDC14A):c.1640T>G (p.Leu547Arg)

Gene: CDC14A (cell division cycle 14A; plus strand). Cytogenetic location: 1p21.2.
Variant type: single nucleotide variant.
Coding change: c.1640T>G on transcript NM_003672.4 (MANE Select); coding-DNA position 1640, T replaced by G.
Protein change: p.Leu547Arg; replaces leucine 547 with arginine.
Molecular consequence: missense variant.
Genome position (GRCh38, 1-based): chr1:100,499,147, T>G. VCF-style: chr1-100499147-T-G. GRCh37 (hg19) VCF-style: chr1-100964703-T-G.
Other names: c.1640T>G (NM_003672.3, NM_033312.2); c.1640T>G, p.Leu547Arg (NM_001319210.2, NM_033312.3); c.1466T>G, p.Leu489Arg (NM_001319211.2); c.761T>G, p.Leu254Arg (NM_001319212.2); short protein forms L254R, L489R, L547R.
Identifiers: ClinVar variation 2184836 (VCV002184836.5), dbSNP rs140251082, ClinGen allele CA970942.